The following is an entry in ClinVar:

NC_000021.8:g.(36265261_36421138)_(36421600_?)del

Gene: RUNX1 (RUNX family transcription factor 1; minus strand). Cytogenetic location: 21q22.12.
Variant type: Deletion.
Identifiers: ClinVar variation 3769199 (VCV003769199.2).

ClinVar aggregate classification (germline): Pathogenic (1 of 4 stars; one submission).

Conditions:
Hereditary thrombocytopenia and hematological cancer predisposition syndrome associated with RUNX1. Also called: RUNX1 Familial Platelet Disorder with Associated Myeloid Malignancies; Familial Platelet Disorder with Propensity to Acute Myelogenous Leukemia; Familial thrombocytopenia with propensity to acute myelogenous leukemia; PLATELET DISORDER, ASPIRIN-LIKE. Identifiers: Orphanet 71290, MedGen C1832388, MeSH C563324, MONDO:0100083, OMIM 601399.

Submission:

Women's Health and Genetics/Laboratory Corporation of America, LabCorp
Classification: Pathogenic for Hereditary thrombocytopenia and hematological cancer predisposition syndrome associated with RUNX1. Last evaluated: 2025-01-07. Review status: criteria provided, single submitter. Criteria: LabCorp Variant Classification Summary - May 2015. Collection method: clinical testing. Allele origin: germline.
Comment: Variant summary: The variant involves the deletion of exons 1-2 in the RUNX1 gene. A presumed nomenclature of c.(?_-195)_(58+1_59-1)del has been designated for the purposes of this classification. The exact breakpoint at the 5' end of this variant is unknown, therefore this deletion may extend upstream of the annotated region of this gene. Although the exact breakpoints of this deletion are not known, it is predicted to remove the initiation codon and result in an absence of protein or a truncation of the encoded protein due to translation initiation at a downstream site. The variant was absent in 21690 control chromosomes. c.(?_-195)_(58+1_59-1)del has been reported in the literature in individuals affected with Hereditary Thrombocytopenia And Hematological Cancer Predisposition Syndrome Associated With RUNX1. These data indicate that the variant may be associated with disease. To our knowledge, no experimental evidence demonstrating an impact on protein function has been reported. The following publication have been ascertained in the context of this evaluation (PMID: 29666006). No submitters have cited clinical-significance assessments for this variant to ClinVar. Based on the evidence outlined above, the variant was classified as pathogenic.

Literature cited by the submitters: PubMed 29666006.